The following is an entry in ClinVar:

NM_005591.4(MRE11):c.1603G>C (p.Glu535Gln)

Gene: MRE11 (MRE11 double strand break repair nuclease; minus strand). Cytogenetic location: 11q21.
Variant type: single nucleotide variant.
Coding change: c.1603G>C on transcript NM_005591.4 (MANE Select); coding-DNA position 1603, G replaced by C.
Protein change: p.Glu535Gln; replaces glutamic acid 535 with glutamine.
Molecular consequence: missense variant.
Genome position (GRCh38, 1-based): chr11:94,447,399, C>G on the plus strand (G>C on the coding strand, the complement: MRE11 is on the minus strand). VCF-style: chr11-94447399-C-G. GRCh37 (hg19) VCF-style: chr11-94180565-C-G.
Other names: c.1603G>C, p.Glu535Gln (NM_001330347.2, NM_005590.4); short protein forms E535Q.
Identifiers: ClinVar variation 3397850 (VCV003397850.1).

ClinVar aggregate classification (germline): Uncertain significance (1 of 4 stars; one submission).

Conditions:
Hereditary cancer-predisposing syndrome. Also called: Hereditary Cancer Syndrome; Tumor predisposition; Hereditary neoplastic syndrome; Neoplastic Syndromes, Hereditary. Identifiers: Orphanet 140162, MedGen C0027672, MeSH D009386, MONDO:0015356.

Submission:

Ambry Genetics
Classification: Uncertain significance for Hereditary cancer-predisposing syndrome. Last evaluated: 2024-08-21. Review status: criteria provided, single submitter. Criteria: Ambry Variant Classification Scheme 2023. Collection method: clinical testing. Allele origin: germline.
Comment: The p.E535Q variant (also known as c.1603G>C), located in coding exon 14 of the MRE11A gene, results from a G to C substitution at nucleotide position 1603. The glutamic acid at codon 535 is replaced by glutamine, an amino acid with highly similar properties. This amino acid position is conserved. In addition, this alteration is predicted to be tolerated by in silico analysis. Based on the available evidence, the clinical significance of this variant remains unclear.